The following is an entry in ClinVar:

ClinVar aggregate classification (germline): Uncertain significance (1 of 4 stars; one submission).

Conditions:
Proline dehydrogenase deficiency (HYRPRO1). Also called: PROLINE OXIDASE DEFICIENCY; Hyperprolinemia type 1. Identifiers: Orphanet 419, MedGen C0268529, MONDO:0009400, OMIM 239500.

Submission:

Labcorp Genetics (formerly Invitae), Labcorp
Classification: Uncertain significance for Proline dehydrogenase deficiency. Last evaluated: 2022-07-19. Review status: criteria provided, single submitter. Criteria: Invitae Variant Classification Sherloc (09022015). Collection method: clinical testing. Allele origin: germline.
Comment: In summary, the available evidence is currently insufficient to determine the role of this variant in disease. Therefore, it has been classified as a Variant of Uncertain Significance. Variants that disrupt the consensus splice site are a relatively common cause of aberrant splicing (PMID: 17576681, 9536098). Algorithms developed to predict the effect of sequence changes on RNA splicing suggest that this variant is not likely to affect RNA splicing. ClinVar contains an entry for this variant (Variation ID: 1378661). This variant has not been reported in the literature in individuals affected with PRODH-related conditions. This variant is not present in population databases (gnomAD no frequency). This sequence change falls in intron 13 of the PRODH gene. It does not directly change the encoded amino acid sequence of the PRODH protein. It affects a nucleotide within the consensus splice site.

Literature cited by the submitters: PubMed 17576681; PubMed 9536098.

NM_016335.6(PRODH):c.1527-3C>T

Gene: PRODH (proline dehydrogenase 1; minus strand). Cytogenetic location: 22q11.21.
Variant type: single nucleotide variant.
Coding change: c.1527-3C>T on transcript NM_016335.6 (MANE Select); 3 bases into the intron before coding-DNA position 1527, C replaced by T.
Molecular consequence: intron variant.
Genome position (GRCh38, 1-based): chr22:18,913,529, G>A on the plus strand (C>T on the coding strand, the complement: PRODH is on the minus strand). VCF-style: chr22-18913529-G-A. GRCh37 (hg19) VCF-style: chr22-18901042-G-A.
Other names: c.1203-3C>T (NM_001195226.2).
Identifiers: ClinVar variation 1378661 (VCV001378661.6), dbSNP rs2146205858, ClinGen allele CA2573157714.